The following is an entry in ClinVar:

NM_000256.3(MYBPC3):c.3764CCA[1] (p.Thr1256del)

Gene: MYBPC3 (myosin binding protein C3; minus strand). Cytogenetic location: 11p11.2.
Variant type: Microsatellite.
Coding change: c.3764CCA[1] on transcript NM_000256.3 (MANE Select); one copy of the 3-base unit CCA starting at c.3764; the reference has two copies in a row; one copy, 3 bases deleted; also written c.3767_3769del.
Protein change: p.Thr1256del; deletes threonine 1256.
Molecular consequence: inframe deletion.
Genome position (GRCh38, 1-based): chr11:47,332,117-47,332,119, TGG deleted on the plus strand (CCA on the coding strand, the reverse complement: MYBPC3 is on the minus strand); deleting any 3 consecutive bases within chr11:47,332,117-47,332,122 gives the same sequence; the position shown is the placement nearest the transcript's 3' end. VCF-style (leftmost placement, unchanged base first): chr11-47332116-TTGG-T. GRCh37 (hg19) VCF-style: chr11-47353667-TTGG-T.
Other names: c.3767_3769del (NM_000256.3); c.3767_3769delCCA (NM_000256.3); short protein forms T1256del.
Identifiers: ClinVar variation 42741 (VCV000042741.33), dbSNP rs397516040, ClinGen allele CA014829.

ClinVar aggregate classification (germline): Pathogenic/Likely pathogenic. Review status: criteria provided, multiple submitters, no conflicts (2 of 4 stars). 9 submissions from 9 submitters: Pathogenic (1); Likely pathogenic (8). Last evaluated 2026-01-26.

Conditions:
MYBPC3-related disorder. Also called: MYBPC3-related disorders; MYBPC3-related condition; MYBPC3-related disease.
Cardiovascular phenotype. Identifiers: MedGen CN230736.
Cardiomyopathy (CMYO). Also called: Cardiomyopathies. Identifiers: Orphanet 167848, MedGen C0878544, MONDO:0004994, HP:0001638. Inheritance: Various modes of inheritance.
Hypertrophic cardiomyopathy 4. Also called: Familial hypertrophic cardiomyopathy 4. Identifiers: MedGen C1861862, MONDO:0007268, OMIM 115197.
Hypertrophic cardiomyopathy. Also called: HYPERTROPHIC MYOCARDIOPATHY. Identifiers: Orphanet 217569, MedGen C0007194, MeSH D002312, MONDO:0005045, HP:0001639.

Submissions (9):

Labcorp Genetics (formerly Invitae), Labcorp
Classification: Likely pathogenic for Hypertrophic cardiomyopathy. Last evaluated: 2026-01-26. Review status: criteria provided, single submitter. Criteria: Invitae Variant Classification Sherloc (09022015). Collection method: clinical testing. Allele origin: germline.
Comment: This variant, c.3767_3769del, results in the deletion of 1 amino acid(s) of the MYBPC3 protein (p.Thr1256del), but otherwise preserves the integrity of the reading frame. This variant is not present in population databases (gnomAD no frequency). This variant has been observed in individuals with hypertrophic cardiomyopathy (PMID: 24793961, 25524337, 27532257, 37652022, 37767697, 39160446). ClinVar contains an entry for this variant (Variation ID: 42741). Experimental studies and prediction algorithms are not available or were not evaluated, and the functional significance of this variant is currently unknown. In summary, the currently available evidence indicates that the variant is pathogenic, but additional data are needed to prove that conclusively. Therefore, this variant has been classified as Likely Pathogenic.

GeneDx
Classification: Likely pathogenic. Last evaluated: 2025-11-12. Review status: criteria provided, single submitter. Criteria: GeneDx Variant Classification Process June 2021. Collection method: clinical testing. Allele origin: germline. Affected: yes.
Comment: In-frame deletion of 1 amino acid in a non-repeat region; Not observed at significant frequency in large population cohorts (gnomAD); In silico analysis supports a deleterious effect on protein structure/function; This variant is associated with the following publications: (PMID: 25524337, 27532257, 28193612, 32527005, 31737537, 24793961, 39160446, 37652022)

Color Diagnostics, LLC DBA Color Health
Classification: Likely pathogenic for Cardiomyopathy. Last evaluated: 2025-11-04. Review status: criteria provided, single submitter. Criteria: ACMG Guidelines, 2015. Collection method: clinical testing. Allele origin: germline.
Comment: This variant causes a deletion of threonine at codon 1256 in the Ig-like domain C10 in the MYBPC3 protein. Missense variants in this region have been shown to be significantly overrepresented in individuals with affected with hypertrophic cardiomyopathy (PMID: 30696458). Computational prediction suggests that this variant may have moderately deleterious impact on protein structure and function (PMID: 36855133). To our knowledge, functional studies have not been reported for this variant. This variant has been reported in individuals affected with hypertrophic cardiomyopathy (PMID: 25524337, 25611685, 27532257, 28193612, 30297972, 31110529, 31737537, 32527005, 32841044, 37652022ClinVar: SCV002625948.3, SCV000059267.6). This variant has been reported to segregate with disease in family studies (ClinVar SCV000059267.6). This variant has been identified in 1/1613512 chromosomes in the general population by the Genome Aggregation Database (gnomAD). Based on the available evidence, this variant is classified as Likely Pathogenic.

Ambry Genetics
Classification: Likely pathogenic for Cardiovascular phenotype. Last evaluated: 2025-04-18. Review status: criteria provided, single submitter. Criteria: Ambry Variant Classification Scheme 2023. Collection method: clinical testing. Allele origin: germline.
Comment: The c.3767_3769delCCA variant (also known as p.T1256del) is located in coding exon 33 of the MYBPC3 gene. This variant results from an in-frame CCA deletion at nucleotide positions 3767 to 3769. This results in the in-frame deletion of a threonine at codon 1256. This variant was identified in one or more individuals with features consistent with hypertrophic cardiomyopathy and segregated with disease in at least one family (Coppini R et al. J. Am. Coll. Cardiol. 2014;64:2589-600; Walsh R et al. Genet. Med. 2016;epub; Weissler-Snir A et al. Circ Cardiovasc Imaging, 2017 Feb;10(2):pii: e005311; Marschall C et al. Cardiovasc Diagn Ther, 2019 Oct;9(Suppl 2):S292-S298; Lombardi M et al. J Clin Med, 2020 Jun;9(6); external communication; Ambry internal data). This variant is considered to be rare based on population cohorts in the Genome Aggregation Database (gnomAD). This amino acid position is not well conserved in available vertebrate species. In addition, this alteration is predicted to be deleterious by in silico analysis (Choi Y et al. PLoS ONE. 2012; 7(10):e46688). Based on the majority of available evidence to date, this variant is likely to be pathogenic.

Blueprint Genetics
Classification: Pathogenic for MYBPC3-related disorders. Last evaluated: 2023-04-25. Review status: criteria provided, single submitter. Criteria: ACMG Guidelines, 2015. Collection method: clinical testing. Allele origin: germline. Affected: yes. Observed: 2 variant alleles.

MGZ Medical Genetics Center
Classification: Likely pathogenic for Hypertrophic cardiomyopathy 4. Last evaluated: 2021-07-20. Review status: criteria provided, single submitter. Criteria: ACMG Guidelines, 2015. Collection method: clinical testing. Allele origin: germline. Affected: yes. Observed: 1 variant allele.
Comment: ACMG criteria applied: PS4_MOD, PM1, PM4, PP1_MOD, PM2_SUP

Laboratory for Molecular Medicine, Mass General Brigham Personalized Medicine
Classification: Likely pathogenic for Hypertrophic cardiomyopathy. Last evaluated: 2019-05-14. Review status: criteria provided, single submitter. Criteria: LMM Criteria. Collection method: clinical testing. Allele origin: germline. Inheritance: Autosomal dominant inheritance. Observed: 12 variant alleles.
Comment: The p.Thr1256del variant in MYBPC3 has been previously reported in at least 5 individuals with HCM and segregated with disease in at least 6 affected relatives (including 2 obligate carriers) from 2 families (Bos 2014, Coppini 2014, Walsh 2017, Weissler-Snir 2017, LMM data). It has been reported in ClinVar (Variation ID: 42741), but was absent from large population studies. This variant is a deletion of one amino acid (Thr) at position 1256 and is not predicted to alter the protein reading frame. In summary, although additional studies are required to fully establish its clinical significance, the p.Thr1256del variant is likely pathogenic. ACMG/AMP Criteria applied: PS4_Moderate; PP1_Moderate, PM2.

CHEO Genetics Diagnostic Laboratory, Children's Hospital of Eastern Ontario
Classification: Likely pathogenic for Cardiomyopathy. Last evaluated: 2018-01-18. Review status: criteria provided, single submitter. Criteria: ACMG Guidelines, 2015. Collection method: clinical testing. Allele origin: germline.

ARUP Laboratories, Molecular Genetics and Genomics, ARUP Laboratories
Classification: Likely pathogenic. Last evaluated: 2017-02-16. Review status: criteria provided, single submitter. Criteria: ARUP Molecular Germline Variant Investigation Process. Collection method: clinical testing. Allele origin: germline.

Literature cited by the submitters: PubMed 24793961 (cited by 3 submitters); PubMed 25524337 (cited by 4 submitters); PubMed 27532257 (cited by 4 submitters); PubMed 37652022 (cited by Labcorp Genetics (formerly Invitae), Labcorp and Color Diagnostics, LLC DBA Color Health); PubMed 37767697 (cited by Labcorp Genetics (formerly Invitae), Labcorp); PubMed 39160446 (cited by Labcorp Genetics (formerly Invitae), Labcorp); PubMed 25611685 (cited by Color Diagnostics, LLC DBA Color Health); PubMed 28193612 (cited by 3 submitters); PubMed 30297972 (cited by Color Diagnostics, LLC DBA Color Health); PubMed 30696458 (cited by Color Diagnostics, LLC DBA Color Health); PubMed 31110529 (cited by Color Diagnostics, LLC DBA Color Health); PubMed 31737537 (cited by Color Diagnostics, LLC DBA Color Health and Ambry Genetics); PubMed 32527005 (cited by Color Diagnostics, LLC DBA Color Health and Ambry Genetics); PubMed 32841044 (cited by Color Diagnostics, LLC DBA Color Health); PubMed 36855133 (cited by Color Diagnostics, LLC DBA Color Health).